The following is an entry in ClinVar:

NM_002335.4(LRP5):c.1694G>A (p.Arg565His)

Gene: LRP5 (LDL receptor related protein 5; plus strand). Cytogenetic location: 11q13.2.
Variant type: single nucleotide variant.
Coding change: c.1694G>A on transcript NM_002335.4 (MANE Select); coding-DNA position 1694, G replaced by A.
Protein change: p.Arg565His; replaces arginine 565 with histidine.
Molecular consequence: missense variant. On other transcripts: 5 prime UTR variant (1).
Genome position (GRCh38, 1-based): chr11:68,403,592, G>A. VCF-style: chr11-68403592-G-A. GRCh37 (hg19) VCF-style: chr11-68171060-G-A.
Other names: p.Arg565His; c.-244G>A (NM_001291902.2); c.1694G>A (NM_002335.2); short protein forms R565H.
Identifiers: ClinVar variation 3600199 (VCV003600199.3).

ClinVar aggregate classification (germline): Uncertain significance. Review status: criteria provided, multiple submitters, no conflicts (2 of 4 stars). 3 submissions from 3 submitters: Uncertain significance (3). Last evaluated 2025-08-27.

Conditions:
Polycystic liver disease 4 with or without kidney cysts. Identifiers: MedGen C4693479, MONDO:0044327, OMIM 617875.
Exudative vitreoretinopathy 4 (EVR4). Identifiers: Orphanet 891, MedGen C1866176, MONDO:0011151, OMIM 601813.
Worth disease. Also called: Autosomal dominant osteosclerosis, Worth type; ENDOSTEAL HYPEROSTOSIS, AUTOSOMAL DOMINANT; OSTEOSCLEROSIS, AUTOSOMAL DOMINANT. Identifiers: Orphanet 2790, MedGen C0432273, MONDO:0007764, OMIM 144750.
Bone mineral density quantitative trait locus 1 (BMND1). Identifiers: MedGen C1866079, OMIM 601884.
Autosomal dominant osteopetrosis 1 (OPTA1). Also called: OSTEOPETROSIS, AUTOSOMAL DOMINANT, TYPE I. Identifiers: Orphanet 2783, MedGen C1843330, MONDO:0011877, OMIM 607634.
Osteoporosis with pseudoglioma (OPPG). Also called: osteoporosis-pseudoglioma syndrome. Identifiers: Orphanet 2788, MedGen C0432252, MONDO:0009820, OMIM 259770.
Inborn genetic diseases. Identifiers: MedGen C0950123, MeSH D030342.

gnomAD v4.1: 10 of 1,614,052 alleles (0.00062%); highest among the groups gnomAD compares: African/African-American, 0.0027%; no homozygotes.

Submissions (3):

Ambry Genetics
Classification: Uncertain significance for Inborn genetic diseases. Last evaluated: 2025-08-27. Review status: criteria provided, single submitter. Criteria: Ambry Variant Classification Scheme 2023. Collection method: clinical testing. Allele origin: germline.

Mayo Clinic Laboratories, Mayo Clinic
Classification: Uncertain significance. Last evaluated: 2025-06-29. Review status: criteria provided, single submitter. Criteria: ACMG Guidelines, 2015. Collection method: clinical testing. Allele origin: germline. Observed: 1 variant allele.
Comment: PP3, PM2_supporting

Fulgent Genetics
Classification: Uncertain significance for Worth disease; Osteoporosis with pseudoglioma; Exudative vitreoretinopathy 4; Bone mineral density quantitative trait locus 1; Autosomal dominant osteopetrosis 1; Polycystic liver disease 4 with or without kidney cysts. Last evaluated: 2024-01-31. Review status: criteria provided, single submitter. Criteria: ACMG Guidelines, 2015. Collection method: clinical testing. Allele origin: germline.